The following is an entry in ClinVar:

ClinVar aggregate classification (germline): Uncertain significance (1 of 4 stars; one submission).

Conditions:
Cardiovascular phenotype. Identifiers: MedGen CN230736.

Submission:

Ambry Genetics
Classification: Uncertain significance for Cardiovascular phenotype. Last evaluated: 2023-07-10. Review status: criteria provided, single submitter. Criteria: Ambry Variant Classification Scheme 2023. Collection method: clinical testing. Allele origin: germline.
Comment: The c.1408-1G>A intronic variant results from a G to A substitution one nucleotide upstream from coding exon 13 of the MYH7 gene. This nucleotide position is highly conserved in available vertebrate species. In silico splice site analysis predicts that this alteration will weaken the native splice acceptor site and will result in the creation or strengthening of a novel splice acceptor site. Alterations that disrupt the canonical splice site are expected to cause aberrant splicing, resulting in an abnormal protein or a transcript that is subject to nonsense-mediated mRNA decay. However, loss of function of MYH7 has not been established as a mechanism of disease. Since supporting evidence is limited at this time, the clinical significance of this alteration remains unclear.

NM_000257.4(MYH7):c.1408-1G>A

Gene: MYH7 (myosin heavy chain 7; minus strand). Cytogenetic location: 14q11.2.
Variant type: single nucleotide variant.
Coding change: c.1408-1G>A on transcript NM_000257.4 (MANE Select); the canonical splice acceptor site of the intron before coding-DNA position 1408, G replaced by A.
Molecular consequence: splice acceptor variant.
Genome position (GRCh38, 1-based): chr14:23,428,671, C>T on the plus strand (G>A on the coding strand, the complement: MYH7 is on the minus strand). VCF-style: chr14-23428671-C-T. GRCh37 (hg19) VCF-style: chr14-23897880-C-T.
Other names: c.1408-1G>A (NM_001407004.1).
Identifiers: ClinVar variation 2625310 (VCV002625310.2), dbSNP rs1436941462, ClinGen allele CA389050681.